The following is an entry in ClinVar:

ClinVar aggregate classification (germline): Pathogenic (1 of 4 stars; one submission).

Conditions:
Ellis-van Creveld syndrome (EVC). Also called: MESOECTODERMAL DYSPLASIA; Chondroectodermal dysplasia; EVC-Related Ellis-van Creveld Syndrome; EVC2-Related Ellis-van Creveld Syndrome. Identifiers: Orphanet 289, MedGen C0013903, MONDO:0009162, OMIM 225500.
Curry-Hall syndrome (WAD). Also called: WEYERS ACRODENTAL DYSOSTOSIS. Identifiers: Orphanet 952, MedGen C0457013, MONDO:0008673, OMIM 193530.

Submission:

Labcorp Genetics (formerly Invitae), Labcorp
Classification: Pathogenic for Curry-Hall syndrome; Ellis-van Creveld syndrome. Last evaluated: 2023-09-12. Review status: criteria provided, single submitter. Criteria: Invitae Variant Classification Sherloc (09022015). Collection method: clinical testing. Allele origin: unknown.
Comment: This variant is a gross deletion of the genomic region encompassing exon(s) 1-11 of the EVC gene, which includes the initiator codon. This deletion extends beyond the assayed region for this gene and therefore may encompass additional genes. It is expected to result in an absent or disrupted protein product. Loss-of-function variants in EVC are known to be pathogenic (PMID: 23220543). Isolated whole-gene deletions of EVC have not been reported in the literature. However, larger copy number events that include this gene have been reported (PMID: 18454448, 25174843). For these reasons, this variant has been classified as Pathogenic.

Literature cited by the submitters: PubMed 23220543; PubMed 18454448; PubMed 25174843.

NC_000004.11:g.(?_5564575)_(5758109_?)del

Genes: EVC (EvC ciliary complex subunit 1; plus strand), EVC2 (EvC ciliary complex subunit 2; minus strand). Cytogenetic location: 4p16.2.
Variant type: Deletion.
Identifiers: ClinVar variation 3246635 (VCV003246635.1).